The following is an entry in ClinVar:

ClinVar aggregate classification (germline): Uncertain significance (1 of 4 stars; one submission).

Conditions:
Hereditary cancer-predisposing syndrome. Also called: Neoplastic Syndromes, Hereditary; Tumor predisposition; Hereditary Cancer Syndrome; Hereditary neoplastic syndrome. Identifiers: Orphanet 140162, MedGen C0027672, MeSH D009386, MONDO:0015356.

Submission:

Ambry Genetics
Classification: Uncertain significance for Hereditary cancer-predisposing syndrome. Last evaluated: 2026-03-12. Review status: criteria provided, single submitter. Criteria: Ambry Variant Classification Scheme 2023. Collection method: clinical testing. Allele origin: germline.
Comment: The p.G378V variant (also known as c.1133G>T), located in coding exon 9 of the TSC1 gene, results from a G to T substitution at nucleotide position 1133. The glycine at codon 378 is replaced by valine, an amino acid with dissimilar properties. This amino acid position is conserved. In addition, the in silico prediction for this alteration is inconclusive. Based on the available evidence, the clinical significance of this variant remains unclear.

NM_000368.5(TSC1):c.1133G>T (p.Gly378Val)

Gene: TSC1 (TSC complex subunit 1; minus strand). Cytogenetic location: 9q34.13.
Variant type: single nucleotide variant.
Coding change: c.1133G>T on transcript NM_000368.5 (MANE Select); coding-DNA position 1133, G replaced by T.
Protein change: p.Gly378Val; replaces glycine 378 with valine.
Molecular consequence: missense variant. On other transcripts: non-coding transcript variant (5).
Genome position (GRCh38, 1-based): chr9:132,911,010, C>A on the plus strand (G>T on the coding strand, the complement: TSC1 is on the minus strand). VCF-style: chr9-132911010-C-A. GRCh37 (hg19) VCF-style: chr9-135786397-C-A.
Other names: c.1133G>T, p.Gly378Val (NM_001406595.1, NM_001406596.1, NM_001406597.1 and 16 more transcripts); c.980G>T, p.Gly327Val (NM_001162427.2, NM_001406610.1, NM_001406611.1 and 2 more transcripts); c.770G>T, p.Gly257Val (NM_001362177.2, NM_001406614.1, NM_001406615.1 and 10 more transcripts); c.182G>T, p.Gly61Val (NM_001406627.1, NM_001406628.1, NM_001406626.1); c.83G>T, p.Gly28Val (NM_001406629.1, NM_001406630.1); short protein forms G257V, G28V, G327V, G378V, G61V.
Identifiers: ClinVar variation 4825804 (VCV004825804.1).